The following is an entry in ClinVar:

ClinVar aggregate classification (germline): Uncertain significance (1 of 4 stars; one submission).

Conditions:
Cardiomyopathy (CMYO). Also called: Cardiomyopathies. Identifiers: Orphanet 167848, MedGen C0878544, MONDO:0004994, HP:0001638. Inheritance: Various modes of inheritance.

Submission:

Color Diagnostics, LLC DBA Color Health
Classification: Uncertain significance for Cardiomyopathy. Last evaluated: 2024-02-25. Review status: criteria provided, single submitter. Criteria: ACMG Guidelines, 2015. Collection method: clinical testing. Allele origin: germline.
Comment: This missense variant replaces threonine with alanine at codon 2473 of the DSP protein. Computational prediction suggests that this variant may have deleterious impact on protein structure and function (internally defined REVEL score threshold >= 0.7, PMID: 27666373). To our knowledge, functional studies have not been reported for this variant. This variant has not been reported in individuals affected with DSP-related disorders in the literature. This variant has not been identified in the general population by the Genome Aggregation Database (gnomAD). The available evidence is insufficient to determine the role of this variant in disease conclusively. Therefore, this variant is classified as a Variant of Uncertain Significance.

NM_004415.4(DSP):c.7417A>G (p.Thr2473Ala)

Gene: DSP (desmoplakin; plus strand). Cytogenetic location: 6p24.3.
Variant type: single nucleotide variant.
Coding change: c.7417A>G on transcript NM_004415.4 (MANE Select); coding-DNA position 7417, A replaced by G.
Protein change: p.Thr2473Ala; replaces threonine 2473 with alanine.
Molecular consequence: missense variant.
Genome position (GRCh38, 1-based): chr6:7,584,679, A>G. VCF-style: chr6-7584679-A-G. GRCh37 (hg19) VCF-style: chr6-7584912-A-G.
Other names: c.5620A>G, p.Thr1874Ala (NM_001008844.3); c.6088A>G, p.Thr2030Ala (NM_001319034.2); short protein forms T1874A, T2030A, T2473A.
Identifiers: ClinVar variation 3894438 (VCV003894438.1).
Genomic context (GRCh38, chr6:7,584,679, plus strand): 5'-GTGCAGACATCACAAAAGAATACCCTCAGGAAGCGTAGAGTGGTCATAGTTGACCCAGAA[A>G]CCAATAAAGAAATGTCTGTTCAGGAGGCCTACAAGAAGGGCCTAATTGATTATGAAACCT-3'
Protein context (NP_004406.2, residues 2463-2483): KRRVVIVDPE[Thr2473Ala]NKEMSVQEAY